The following is an entry in ClinVar:

NM_015015.3(KDM4B):c.598T>C (p.Tyr200His)

Gene: KDM4B (lysine demethylase 4B; plus strand). Cytogenetic location: 19p13.3.
Variant type: single nucleotide variant.
Coding change: c.598T>C on transcript NM_015015.3 (MANE Select); coding-DNA position 598, T replaced by C.
Protein change: p.Tyr200His; replaces tyrosine 200 with histidine.
Molecular consequence: missense variant.
Genome position (GRCh38, 1-based): chr19:5,047,641, T>C. VCF-style: chr19-5047641-T-C. GRCh37 (hg19) VCF-style: chr19-5047652-T-C.
Other names: c.598T>C, p.Tyr200His (NM_001370093.1, NM_001370094.1, NM_001411148.1); short protein forms Y200H.
Identifiers: ClinVar variation 5008034 (VCV005008034.1).

ClinVar aggregate classification (germline): Uncertain significance (1 of 4 stars; one submission).

Submission:

GeneDx
Classification: Uncertain significance. Last evaluated: 2026-02-27. Review status: criteria provided, single submitter. Criteria: GeneDx Variant Classification Process June 2021. Collection method: clinical testing. Allele origin: germline.
Comment: Not observed at significant frequency in large population cohorts (gnomAD); In silico analysis supports that this missense variant has a deleterious effect on protein structure/function; Has not been previously published as pathogenic or benign to our knowledge